The following is an entry in ClinVar:

ClinVar aggregate classification (germline): Likely benign. Review status: criteria provided, single submitter (1 of 4 stars). 2 submissions from 2 submitters: Likely benign (1). 1 of the submissions does not count toward it. Last evaluated 2025-05-22.

Conditions:
MYH9-related disorder. Identifiers: MedGen C1854520.

Allele frequency attached by ClinVar (database versions not stated): gnomAD exomes below 0.00001.
gnomAD v4.1: 5 of 1,607,308 alleles (0.00031%); highest among the groups gnomAD compares: South Asian, 0.0044%; no homozygotes.

Submissions (2):

Labcorp Genetics (formerly Invitae), Labcorp
Classification: Likely benign. Last evaluated: 2025-05-22. Review status: criteria provided, single submitter. Criteria: Invitae Variant Classification Sherloc (09022015). Collection method: clinical testing. Allele origin: germline.

PreventionGenetics, part of Exact Sciences
Classification: Likely benign for MYH9-related condition. Last evaluated: 2022-03-10. Review status: no assertion criteria provided. Collection method: clinical testing. Allele origin: germline. Not counted in ClinVar's aggregate classification.
Comment: This variant is classified as likely benign based on ACMG/AMP sequence variant interpretation guidelines (Richards et al. 2015 PMID: 25741868, with internal and published modifications).

NM_002473.6(MYH9):c.4771-10C>T

Gene: MYH9 (myosin heavy chain 9; minus strand). Cytogenetic location: 22q12.3.
Variant type: single nucleotide variant.
Coding change: c.4771-10C>T on transcript NM_002473.6 (MANE Select); 10 bases into the intron before coding-DNA position 4771, C replaced by T.
Molecular consequence: intron variant.
Genome position (GRCh38, 1-based): chr22:36,288,423, G>A on the plus strand (C>T on the coding strand, the complement: MYH9 is on the minus strand). VCF-style: chr22-36288423-G-A. GRCh37 (hg19) VCF-style: chr22-36684469-G-A.
Identifiers: ClinVar variation 3054222 (VCV003054222.3), dbSNP rs1446157881, ClinGen allele CA639392460.